The following is an entry in ClinVar:

NM_001298.3(CNGA3):c.107_110del (p.His36fs)

Gene: CNGA3 (cyclic nucleotide gated channel subunit alpha 3; plus strand). Cytogenetic location: 2q11.2.
Variant type: Deletion.
Coding change: c.107_110del on transcript NM_001298.3 (MANE Select); coding-DNA positions 107 to 110, 4 bases deleted (ACTC; older notation c.107_110delACTC).
Protein change: p.His36fs; shifts the reading frame from histidine 36.
Molecular consequence: frameshift variant.
Genome position (GRCh38, 1-based): chr2:98,377,692-98,377,695, ACTC deleted; deleting any 4 consecutive bases within chr2:98,377,691-98,377,695 gives the same sequence; the c. name uses the placement nearest the transcript's 3' end. VCF-style (leftmost placement, unchanged base first): chr2-98377690-CCACT-C. GRCh37 (hg19) VCF-style: chr2-98994153-CCACT-C.
Other names: c.107_110del, p.His36fs (NM_001079878.2); c.107_110delACTC (NM_001298.2); short protein forms H36fs.
Identifiers: ClinVar variation 438155 (VCV000438155.10), dbSNP rs749036398, ClinGen allele CA52620704.

ClinVar aggregate classification (germline): Pathogenic. Review status: criteria provided, single submitter (1 of 4 stars). 2 submissions from 2 submitters: Pathogenic (1). 1 of the submissions does not count toward it. Last evaluated 2019-09-05.

Conditions:
Abnormality of the eye. Identifiers: MedGen C4316870, HP:0000478.

Submissions (2):

Labcorp Genetics (formerly Invitae), Labcorp
Classification: Pathogenic. Last evaluated: 2019-09-05. Review status: criteria provided, single submitter. Criteria: Invitae Variant Classification Sherloc (09022015). Collection method: clinical testing. Allele origin: germline.
Comment: For these reasons, this variant has been classified as Pathogenic. Loss-of-function variants in CNGA3 are known to be pathogenic (PMID: 14757870, 24903488, 25637600). This variant has been observed in individuals affected with achromatopsia and other inherited retinal disorders (PMID: 27624628, 28041643, Invitae). ClinVar contains an entry for this variant (Variation ID: 438155). This variant is not present in population databases (ExAC no frequency). This sequence change creates a premature translational stop signal (p.His36Argfs*136) in the CNGA3 gene. It is expected to result in an absent or disrupted protein product.

NIHR Bioresource Rare Diseases, University of Cambridge
Classification: Likely pathogenic for Disorder of eye. Last evaluated: 2015-01-01. Review status: no assertion criteria provided. Collection method: research. Allele origin: unknown. Affected: yes. Observed: 1 variant allele. Not counted in ClinVar's aggregate classification.
Comment: Undetermined rare ocular disorder with frequency of less than eight patients

Literature cited by the submitters: PubMed 14757870 (cited by Labcorp Genetics (formerly Invitae), Labcorp); PubMed 24903488 (cited by Labcorp Genetics (formerly Invitae), Labcorp); PubMed 25637600 (cited by Labcorp Genetics (formerly Invitae), Labcorp); PubMed 27624628 (cited by Labcorp Genetics (formerly Invitae), Labcorp); PubMed 28041643 (cited by Labcorp Genetics (formerly Invitae), Labcorp and NIHR Bioresource Rare Diseases, University of Cambridge).